The following is an entry in ClinVar:

NM_001292063.2(OTOG):c.7826A>T (p.Gln2609Leu)

Gene: OTOG (otogelin; plus strand). Cytogenetic location: 11p15.1.
Variant type: single nucleotide variant.
Coding change: c.7826A>T on transcript NM_001292063.2 (MANE Select); coding-DNA position 7826, A replaced by T.
Protein change: p.Gln2609Leu; replaces glutamine 2609 with leucine.
Molecular consequence: missense variant.
Genome position (GRCh38, 1-based): chr11:17,638,481, A>T. VCF-style: chr11-17638481-A-T. GRCh37 (hg19) VCF-style: chr11-17660028-A-T.
Other names: c.7862A>T, p.Gln2621Leu (NM_001277269.2); short protein forms Q2621L, Q2609L.
Identifiers: ClinVar variation 1408055 (VCV001408055.6), dbSNP rs926666774, ClinGen allele CA218454606.

ClinVar aggregate classification (germline): Uncertain significance. Review status: criteria provided, multiple submitters, no conflicts (2 of 4 stars). 2 submissions from 2 submitters: Uncertain significance (2). Last evaluated 2022-10-24.

Allele frequency attached by ClinVar (database versions not stated): gnomAD exomes 0.00001; TOPMed 0.00012.
gnomAD v4.1: 15 of 1,550,026 alleles (0.00097%); highest among the groups gnomAD compares: Admixed American, 0.022%; no homozygotes.

Submissions (2):

Blueprint Genetics
Classification: Uncertain significance. Last evaluated: 2022-10-24. Review status: criteria provided, single submitter. Criteria: ACMG Guidelines, 2015. Collection method: clinical testing. Allele origin: germline.

Labcorp Genetics (formerly Invitae), Labcorp
Classification: Uncertain significance. Last evaluated: 2021-09-23. Review status: criteria provided, single submitter. Criteria: Invitae Variant Classification Sherloc (09022015). Collection method: clinical testing. Allele origin: germline.
Comment: In summary, the available evidence is currently insufficient to determine the role of this variant in disease. Therefore, it has been classified as a Variant of Uncertain Significance. Algorithms developed to predict the effect of missense changes on protein structure and function (SIFT, PolyPhen-2, Align-GVGD) all suggest that this variant is likely to be tolerated. This variant has not been reported in the literature in individuals affected with OTOG-related conditions. The frequency data for this variant in the population databases is considered unreliable, as metrics indicate insufficient coverage at this position in the ExAC database. This sequence change replaces glutamine with leucine at codon 2621 of the OTOG protein (p.Gln2621Leu). The glutamine residue is moderately conserved and there is a moderate physicochemical difference between glutamine and leucine.